The following is an entry in ClinVar:

ClinVar aggregate classification (germline): Likely benign (0 of 4 stars; one submission).

Conditions:
SLC3A2-related disorder. Also called: SLC3A2-related condition.

Allele frequency attached by ClinVar (database versions not stated): gnomAD 0.00009; TOPMed 0.00012; ExAC 0.00018; ESP Exome Variant Server 0.00023.
gnomAD v4.1: 154 of 1,589,842 alleles (0.0097%); highest among the groups gnomAD compares: African/African-American, 0.0027%; no homozygotes.

Submission:

PreventionGenetics, part of Exact Sciences
Classification: Likely benign for SLC3A2-related condition. Last evaluated: 2022-02-22. Review status: no assertion criteria provided. Collection method: clinical testing. Allele origin: germline.
Comment: This variant is classified as likely benign based on ACMG/AMP sequence variant interpretation guidelines (Richards et al. 2015 PMID: 25741868, with internal and published modifications).

NM_001013251.3(SLC3A2):c.1584G>A (p.Ala528=)

Gene: SLC3A2 (solute carrier family 3 member 2; plus strand). Cytogenetic location: 11q12.3.
Variant type: single nucleotide variant.
Coding change: c.1584G>A on transcript NM_001013251.3 (MANE Select); coding-DNA position 1584, G replaced by A.
Protein change: p.Ala528=; no amino-acid change (alanine 528 retained).
Molecular consequence: synonymous variant. On other transcripts: non-coding transcript variant (1).
Genome position (GRCh38, 1-based): chr11:62,888,687, G>A. VCF-style: chr11-62888687-G-A. GRCh37 (hg19) VCF-style: chr11-62656159-G-A.
Other names: c.1890G>A, p.Ala630= (NM_001012662.3); c.1701G>A, p.Ala567= (NM_001012664.3); c.1887G>A, p.Ala629= (NM_002394.6).
Identifiers: ClinVar variation 3052173 (VCV003052173.2), dbSNP rs150850805, ClinGen allele CA6058849.